The following is an entry in ClinVar:

ClinVar aggregate classification (germline): Uncertain significance (1 of 4 stars; one submission).

Conditions:
Breast-ovarian cancer, familial, susceptibility to, 4. Identifiers: Orphanet 145, MedGen C3280345, MONDO:0013669, OMIM 614291.

Submission:

Labcorp Genetics (formerly Invitae), Labcorp
Classification: Uncertain significance for Breast-ovarian cancer, familial, susceptibility to, 4. Last evaluated: 2022-03-28. Review status: criteria provided, single submitter. Criteria: Invitae Variant Classification Sherloc (09022015). Collection method: clinical testing. Allele origin: germline.
Comment: This variant has not been reported in the literature in individuals affected with RAD51D-related conditions. Algorithms developed to predict the effect of missense changes on protein structure and function are either unavailable or do not agree on the potential impact of this missense change (SIFT: "Deleterious"; PolyPhen-2: "Probably Damaging"; Align-GVGD: "Class C0"). In summary, the available evidence is currently insufficient to determine the role of this variant in disease. Therefore, it has been classified as a Variant of Uncertain Significance. This variant is not present in population databases (gnomAD no frequency). This sequence change replaces glycine, which is neutral and non-polar, with arginine, which is basic and polar, at codon 7 of the RAD51D protein (p.Gly7Arg).

NM_002878.4(RAD51D):c.19G>A (p.Gly7Arg)

Genes: RAD51D (RAD51 paralog D; minus strand), RAD51L3-RFFL (RAD51L3-RFFL readthrough; minus strand). Cytogenetic location: 17q12.
Variant type: single nucleotide variant.
Coding change: c.19G>A on transcript NM_002878.4 (MANE Select); coding-DNA position 19, G replaced by A.
Protein change: p.Gly7Arg; replaces glycine 7 with arginine.
Molecular consequence: missense variant. On other transcripts: non-coding transcript variant (2).
Genome position (GRCh38, 1-based): chr17:35,119,595, C>T on the plus strand (G>A on the coding strand, the complement: RAD51D is on the minus strand). VCF-style: chr17-35119595-C-T. GRCh37 (hg19) VCF-style: chr17-33446614-C-T.
Other names: c.19G>A, p.Gly7Arg (NM_001142571.2, NM_133629.3); short protein forms G7R.
Identifiers: ClinVar variation 2417510 (VCV002417510.6), dbSNP rs1064795913, ClinGen allele CA399092550.